The following is an entry in ClinVar:

NM_001382430.1(AKT1):c.601G>A (p.Val201Ile)

Gene: AKT1 (AKT serine/threonine kinase 1; minus strand). Cytogenetic location: 14q32.33.
Variant type: single nucleotide variant.
Coding change: c.601G>A on transcript NM_001382430.1 (MANE Select); coding-DNA position 601, G replaced by A.
Protein change: p.Val201Ile; replaces valine 201 with isoleucine.
Molecular consequence: missense variant.
Genome position (GRCh38, 1-based): chr14:104,774,970, C>T on the plus strand (G>A on the coding strand, the complement: AKT1 is on the minus strand). VCF-style: chr14-104774970-C-T. GRCh37 (hg19) VCF-style: chr14-105241307-C-T.
Other names: c.601G>A, p.Val201Ile (NM_001014431.2, NM_001014432.2, NM_001382431.1 and 3 more transcripts); short protein forms V201I.
Identifiers: ClinVar variation 3282939 (VCV003282939.1).

ClinVar aggregate classification (germline): Uncertain significance (1 of 4 stars; one submission).

Conditions:
Inborn genetic diseases. Identifiers: MedGen C0950123, MeSH D030342.

gnomAD v4.1: 14 of 1,612,852 alleles (0.00087%); highest among the groups gnomAD compares: South Asian, 0.0044%; no homozygotes.

Submission:

Ambry Genetics
Classification: Uncertain significance for Inborn genetic diseases. Last evaluated: 2024-03-25. Review status: criteria provided, single submitter. Criteria: Ambry Variant Classification Scheme 2023. Collection method: clinical testing. Allele origin: germline.
Comment: The p.V201I variant (also known as c.601G>A), located in coding exon 6 of the AKT1 gene, results from a G to A substitution at nucleotide position 601. The valine at codon 201 is replaced by isoleucine, an amino acid with highly similar properties. This amino acid position is conserved. In addition, this alteration is predicted to be tolerated by in silico analysis. Based on the available evidence, the clinical significance of this alteration remains unclear.